The following is an entry in ClinVar:

ClinVar aggregate classification (germline): Uncertain significance (1 of 4 stars; one submission).

Conditions:
Deficiency of adenosine deaminase 2. Also called: Polyarteritis nodosa, childhoood-onset; Adenosine Deaminase 2 Deficiency; VASCULITIS, AUTOINFLAMMATION, IMMUNODEFICIENCY, AND HEMATOLOGIC DEFECTS SYNDROME. Identifiers: Orphanet 404553, MedGen C3887654, MONDO:0014306, OMIM 615688, MONDO:0100317.

Allele frequency attached by ClinVar (database versions not stated): gnomAD exomes below 0.00001; TOPMed below 0.00001.
gnomAD v4.1: 4 of 1,612,804 alleles (0.00025%); highest among the groups gnomAD compares: African/African-American, 0.0013%; no homozygotes.

Submission:

Labcorp Genetics (formerly Invitae), Labcorp
Classification: Uncertain significance for Deficiency of adenosine deaminase 2. Last evaluated: 2023-09-12. Review status: criteria provided, single submitter. Criteria: Invitae Variant Classification Sherloc (09022015). Collection method: clinical testing. Allele origin: germline.
Comment: In summary, the available evidence is currently insufficient to determine the role of this variant in disease. Therefore, it has been classified as a Variant of Uncertain Significance. Advanced modeling of protein sequence and biophysical properties (such as structural, functional, and spatial information, amino acid conservation, physicochemical variation, residue mobility, and thermodynamic stability) performed at Invitae indicates that this missense variant is not expected to disrupt ADA2 protein function. ClinVar contains an entry for this variant (Variation ID: 2418552). This variant has not been reported in the literature in individuals affected with ADA2-related conditions. This variant is not present in population databases (gnomAD no frequency). This sequence change replaces methionine, which is neutral and non-polar, with valine, which is neutral and non-polar, at codon 243 of the ADA2 protein (p.Met243Val).

NM_001282225.2(ADA2):c.727A>G (p.Met243Val)

Gene: ADA2 (adenosine deaminase 2; minus strand). Cytogenetic location: 22q11.1.
Variant type: single nucleotide variant.
Coding change: c.727A>G on transcript NM_001282225.2 (MANE Select); coding-DNA position 727, A replaced by G.
Protein change: p.Met243Val; replaces methionine 243 with valine.
Molecular consequence: missense variant.
Genome position (GRCh38, 1-based): chr22:17,203,589, T>C on the plus strand (A>G on the coding strand, the complement: ADA2 is on the minus strand). VCF-style: chr22-17203589-T-C. GRCh37 (hg19) VCF-style: chr22-17684479-T-C.
Other names: c.727A>G, p.Met243Val (NM_001282226.2); c.601A>G, p.Met201Val (NM_001282227.2, NM_001282228.2); c.367A>G, p.Met123Val (NM_001282229.2); short protein forms M123V, M201V, M243V.
Identifiers: ClinVar variation 2418552 (VCV002418552.8), dbSNP rs1355940322, ClinGen allele CA410227909.